The following is an entry in ClinVar:

ClinVar aggregate classification (germline): Uncertain significance. Review status: criteria provided, multiple submitters, no conflicts (2 of 4 stars). 2 submissions from 2 submitters: Uncertain significance (2). Last evaluated 2025-04-30.

Conditions:
Fetal akinesia-cerebral and retinal hemorrhage syndrome. Also called: Lethal congenital contracture syndrome 5; MYOPATHY, CENTRONUCLEAR, LETHAL, AUTOSOMAL RECESSIVE. Identifiers: Orphanet 363409, MedGen C4706410, MONDO:0014149, OMIM 615368.
Charcot-Marie-Tooth disease dominant intermediate B (CMTDIB). Also called: CHARCOT-MARIE-TOOTH NEUROPATHY, DOMINANT INTERMEDIATE B; Charcot-Marie-Tooth disease dominant intermediate 1; CMT DI1; Charcot-Marie-Tooth disease dominant intermediate I. Identifiers: Orphanet 100044, Orphanet 228179, MedGen C1847902, MONDO:0011674, OMIM 606482.
Autosomal dominant centronuclear myopathy. Also called: MYOTUBULAR MYOPATHY, AUTOSOMAL DOMINANT; Myopathy, centronuclear, 3. Identifiers: Orphanet 169189, MedGen C4551952, MeSH D020914, MONDO:0008048, OMIM 160150.

Submissions (2):

GeneDx
Classification: Uncertain significance. Last evaluated: 2025-04-30. Review status: criteria provided, single submitter. Criteria: GeneDx Variant Classification Process June 2021. Collection method: clinical testing. Allele origin: germline. Affected: yes.
Comment: Not observed at significant frequency in large population cohorts (gnomAD); In silico analysis indicates that this missense variant does not alter protein structure/function; Has not been previously published as pathogenic or benign to our knowledge; This variant is associated with the following publications: (PMID: 16227997)

Fulgent Genetics
Classification: Uncertain significance for Autosomal dominant centronuclear myopathy; Charcot-Marie-Tooth disease dominant intermediate B; Fetal akinesia-cerebral and retinal hemorrhage syndrome. Last evaluated: 2024-01-19. Review status: criteria provided, single submitter. Criteria: ACMG Guidelines, 2015. Collection method: clinical testing. Allele origin: germline.

NM_001005361.3(DNM2):c.1799T>C (p.Leu600Pro)

Gene: DNM2 (dynamin 2; plus strand). Cytogenetic location: 19p13.2.
Variant type: single nucleotide variant.
Coding change: c.1799T>C on transcript NM_001005361.3 (MANE Select); coding-DNA position 1799, T replaced by C.
Protein change: p.Leu600Pro; replaces leucine 600 with proline.
Molecular consequence: missense variant.
Genome position (GRCh38, 1-based): chr19:10,823,805, T>C. VCF-style: chr19-10823805-T-C. GRCh37 (hg19) VCF-style: chr19-10934481-T-C.
Other names: c.1799T>C, p.Leu600Pro (NM_001005360.3, NM_001190716.2); c.1787T>C, p.Leu596Pro (NM_001005362.3, NM_004945.4); short protein forms L596P, L600P.
Identifiers: ClinVar variation 3583400 (VCV003583400.2).